The following is an entry in ClinVar:

NM_005592.4(MUSK):c.496C>T (p.Arg166Ter)

Gene: MUSK (muscle associated receptor tyrosine kinase; plus strand). Cytogenetic location: 9q31.3.
Variant type: single nucleotide variant.
Coding change: c.496C>T on transcript NM_005592.4 (MANE Select); coding-DNA position 496, C replaced by T.
Protein change: p.Arg166Ter; replaces arginine 166 with a stop codon.
Molecular consequence: nonsense.
Genome position (GRCh38, 1-based): chr9:110,697,334, C>T. VCF-style: chr9-110697334-C-T. GRCh37 (hg19) VCF-style: chr9-113459614-C-T.
Other names: c.496C>T, p.Arg166Ter (NM_001166280.2, NM_001166281.2); short protein forms R166*.
Identifiers: ClinVar variation 849716 (VCV000849716.9), dbSNP rs763656507, ClinGen allele CA5184037.

ClinVar aggregate classification (germline): Pathogenic (1 of 4 stars; one submission).

Conditions:
Congenital myasthenic syndrome 9. Also called: Myasthenic syndrome, congenital, 9, associated with acetylcholine receptor deficiency. Identifiers: Orphanet 590, MedGen C4225368, MONDO:0014587, OMIM 616325.
Fetal akinesia deformation sequence 1 (FADS1). Also called: Fetal akinesia sequence; Pena-Shokeir syndrome type I. Identifiers: Orphanet 994, MedGen C1276035, MONDO:0100101, OMIM 208150, HP:0001989.

Allele frequency attached by ClinVar (database versions not stated): gnomAD 0.00001; gnomAD exomes 0.00001; ExAC 0.00001.

Submission:

Labcorp Genetics (formerly Invitae), Labcorp
Classification: Pathogenic for Congenital myasthenic syndrome 9; Fetal akinesia deformation sequence 1. Last evaluated: 2025-07-23. Review status: criteria provided, single submitter. Criteria: Invitae Variant Classification Sherloc (09022015). Collection method: clinical testing. Allele origin: germline.
Comment: This sequence change creates a premature translational stop signal (p.Arg166*) in the MUSK gene. It is expected to result in an absent or disrupted protein product. Loss-of-function variants in MUSK are known to be pathogenic (PMID: 8653786, 25612909, 25695962, 25900532). This variant is present in population databases (rs763656507, gnomAD 0.0009%). This premature translational stop signal has been observed in individuals with congenital myasthenic syndrome (PMID: 25900532, 29704306). ClinVar contains an entry for this variant (Variation ID: 849716). For these reasons, this variant has been classified as Pathogenic.

Literature cited by the submitters: PubMed 8653786; PubMed 25612909; PubMed 25695962; PubMed 25900532; PubMed 29704306.